The following is an entry in ClinVar:

NM_022124.6(CDH23):c.8464dup (p.Asp2822fs)

Gene: CDH23 (cadherin related 23; plus strand). Cytogenetic location: 10q22.1.
Variant type: Duplication.
Coding change: c.8464dup on transcript NM_022124.6 (MANE Select); coding-DNA position 8464, one base duplicated (G; older notation c.8464dupG).
Protein change: p.Asp2822fs; shifts the reading frame from aspartic acid 2822.
Molecular consequence: frameshift variant.
Genome position (GRCh38, 1-based): chr10:71,807,671, G duplicated. VCF-style (leftmost placement, unchanged base first): chr10-71807670-C-CG. GRCh37 (hg19) VCF-style: chr10-73567427-C-CG.
Other names: c.1744dup, p.Asp582fs (NM_001171933.1, NM_001171934.1); short protein forms D2822fs, D582fs.
Identifiers: ClinVar variation 2502570 (VCV002502570.1), dbSNP rs2494435923, ClinGen allele CA2580615507.
Genomic context (GRCh38, chr10:71,807,670, plus strand): 5'-CATCGTCAAGGCCTCCAGCAATCGCAGCTGGACACCTCCCCGTGGACCCTCCCCAACCCT[C>CG]GACCTGGTTGCTGACCTCACACTGCAGGAGGTGCGCGTTGTGCTAGAGGACATCAACGAC-3'

ClinVar aggregate classification (germline): Pathogenic (1 of 4 stars; one submission).

Allele frequency attached by ClinVar (database versions not stated): gnomAD exomes below 0.00001.

Submission:

GeneDx
Classification: Pathogenic. Last evaluated: 2023-05-17. Review status: criteria provided, single submitter. Criteria: GeneDx Variant Classification Process June 2021. Collection method: clinical testing. Allele origin: germline. Affected: yes.
Comment: Frameshift variant predicted to result in protein truncation or nonsense mediated decay in a gene for which loss-of-function is a known mechanism of disease; Not observed at significant frequency in large population cohorts (gnomAD); Has not been previously published as pathogenic or benign to our knowledge